The following is an entry in ClinVar:

ClinVar aggregate classification (germline): Uncertain significance (1 of 4 stars; one submission).

Conditions:
Hereditary cancer-predisposing syndrome. Also called: Hereditary Cancer Syndrome; Hereditary neoplastic syndrome; Neoplastic Syndromes, Hereditary; Tumor predisposition. Identifiers: Orphanet 140162, MedGen C0027672, MeSH D009386, MONDO:0015356.

Submission:

Sema4
Classification: Uncertain significance for Hereditary cancer-predisposing syndrome. Last evaluated: 2022-03-16. Review status: criteria provided, single submitter. Criteria: Sema4 Curation Guidelines. Collection method: curation. Allele origin: germline.
Comment: The TSC1 c.2626-3C>A variant has not been reported in the literature to our knowledge. It was not observed in the large and broad cohorts of the Genome Aggregation Database, nor has it been reported in ClinVar. In silico tools suggest the variant may not disrupt normal splicing, however these predictions have not been confirmed by transcriptional studies. The evidence is insufficient to meet ACMG/AMP criteria for classifying the variant as benign or pathogenic. Thus, the clinical significance of this variant is currently uncertain.

NM_000368.5(TSC1):c.2626-3C>A

Gene: TSC1 (TSC complex subunit 1; minus strand). Cytogenetic location: 9q34.13.
Variant type: single nucleotide variant.
Coding change: c.2626-3C>A on transcript NM_000368.5 (MANE Select); 3 bases into the intron before coding-DNA position 2626, C replaced by A.
Molecular consequence: intron variant.
Genome position (GRCh38, 1-based): chr9:132,897,613, G>T on the plus strand (C>A on the coding strand, the complement: TSC1 is on the minus strand). VCF-style: chr9-132897613-G-T. GRCh37 (hg19) VCF-style: chr9-135773000-G-T.
Other names: c.2263-3C>A (NM_001362177.2); c.2473-3C>A (NM_001162427.2); c.2623-3C>A (NM_001162426.2).
Identifiers: ClinVar variation 1692397 (VCV001692397.1), dbSNP rs1060503192, ClinGen allele CA1129703937.